The following is an entry in ClinVar:

ClinVar aggregate classification (germline): Uncertain significance. Review status: criteria provided, multiple submitters, no conflicts (2 of 4 stars). 2 submissions from 2 submitters: Uncertain significance (2). Last evaluated 2024-03-24.

Conditions:
Breast-ovarian cancer, familial, susceptibility to, 3. Also called: RAD51C-Related Breast/Ovarian Cancer. Identifiers: Orphanet 145, MedGen C3150659, MONDO:0013253, OMIM 613399.
Fanconi anemia complementation group O. Also called: RAD51C-Related Fanconi Anemia. Identifiers: Orphanet 84, MedGen C3150653, MONDO:0013248, OMIM 613390.

Submissions (2):

Baylor Genetics
Classification: Uncertain significance for Breast-ovarian cancer, familial, susceptibility to, 3. Last evaluated: 2024-03-24. Review status: criteria provided, single submitter. Criteria: ACMG Guidelines, 2015. Collection method: clinical testing. Allele origin: unknown.

Labcorp Genetics (formerly Invitae), Labcorp
Classification: Uncertain significance for Fanconi anemia complementation group O. Last evaluated: 2024-02-08. Review status: criteria provided, single submitter. Criteria: Invitae Variant Classification Sherloc (09022015). Collection method: clinical testing. Allele origin: germline.
Comment: This sequence change replaces threonine, which is neutral and polar, with serine, which is neutral and polar, at codon 70 of the RAD51C protein (p.Thr70Ser). This variant is not present in population databases (gnomAD no frequency). This variant has not been reported in the literature in individuals affected with RAD51C-related conditions. An algorithm developed to predict the effect of missense changes on protein structure and function (PolyPhen-2) suggests that this variant is likely to be tolerated. In summary, the available evidence is currently insufficient to determine the role of this variant in disease. Therefore, it has been classified as a Variant of Uncertain Significance.

NM_058216.3(RAD51C):c.208A>T (p.Thr70Ser)

Gene: RAD51C (RAD51 paralog C; plus strand). Cytogenetic location: 17q22.
Variant type: single nucleotide variant.
Coding change: c.208A>T on transcript NM_058216.3 (MANE Select); coding-DNA position 208, A replaced by T.
Protein change: p.Thr70Ser; replaces threonine 70 with serine.
Molecular consequence: missense variant. On other transcripts: non-coding transcript variant (2).
Genome position (GRCh38, 1-based): chr17:58,694,993, A>T. VCF-style: chr17-58694993-A-T. GRCh37 (hg19) VCF-style: chr17-56772354-A-T.
Other names: c.208A>T, p.Thr70Ser (NM_002876.4, NM_058217.1); short protein forms T70S.
Identifiers: ClinVar variation 2765342 (VCV002765342.4), dbSNP rs771189870, ClinGen allele CA400340045.
Genomic context (GRCh38, chr17:58,694,993, plus strand): 5'-GTTGGGATATCTAAAGCAGAAGCCTTAGAAACTCTGCAAATTATCAGAAGAGAATGTCTC[A>T]CAAATAAACCAAGATATGCTGGTACATCTGAGTCACACAAGAAGTGTACAGCACTGGAAC-3'
Protein context (NP_478123.1, residues 60-80): TLQIIRRECL[Thr70Ser]NKPRYAGTSE